The following is an entry in ClinVar:

ClinVar aggregate classification (germline): Uncertain significance (1 of 4 stars; one submission).

Conditions:
Cystic fibrosis (CF). Also called: MUCOVISCIDOSIS. Identifiers: Orphanet 586, MedGen C0010674, MONDO:0009061, OMIM 219700. Disease mechanism: loss of function.

Submission:

Johns Hopkins Genomics, Johns Hopkins University
Classification: Uncertain significance for Cystic fibrosis. Last evaluated: 2025-06-10. Review status: criteria provided, single submitter. Criteria: ACMG Guidelines, 2015. Collection method: clinical testing. Allele origin: germline.
Comment: This intronic CFTR variant is absent from a large population dataset and has not been reported in ClinVar nor the literature, to our knowledge. A single bioinformatic tool predicts that this variant may impact normal CFTR intron 7 (legacy intron 6b) splicing, although this has not been confirmed experimentally to our knowledge. There is functional evidence that a different CFTR variant (c.870-1113_870-1110delGAAT) overlapping this position alters normal CFTR splicing. We consider the clinical significance of CFTR c.870-1110T>G to be uncertain at this time.

Literature cited by the submitters: PubMed 19759008; PubMed 21783433.

NM_000492.4(CFTR):c.870-1110T>G

Gene: CFTR (CF transmembrane conductance regulator; plus strand). Cytogenetic location: 7q31.2.
Variant type: single nucleotide variant.
Coding change: c.870-1110T>G on transcript NM_000492.4 (MANE Select); 1110 bases into the intron before coding-DNA position 870, T replaced by G.
Molecular consequence: intron variant.
Genome position (GRCh38, 1-based): chr7:117,538,990, T>G. VCF-style: chr7-117538990-T-G. GRCh37 (hg19) VCF-style: chr7-117179044-T-G.
Identifiers: ClinVar variation 4280091 (VCV004280091.1).